The following is an entry in ClinVar:

NM_001370259.2(MEN1):c.639del (p.Gly214fs)

Gene: MEN1 (menin 1; minus strand). Cytogenetic location: 11q13.1.
Variant type: Deletion.
Coding change: c.639del on transcript NM_001370259.2 (MANE Select); coding-DNA position 639, one base deleted (C; older notation c.639delC).
Protein change: p.Gly214fs; shifts the reading frame from glycine 214.
Molecular consequence: frameshift variant. On other transcripts: intron variant (2).
Genome position (GRCh38, 1-based): chr11:64,807,906, G deleted on the plus strand (C on the coding strand, the reverse complement: MEN1 is on the minus strand); the first of 2 consecutive G bases (chr11:64,807,906-64,807,907); deleting either gives the same sequence. VCF-style (leftmost placement, unchanged base first): chr11-64807905-CG-C. GRCh37 (hg19) VCF-style: chr11-64575377-CG-C.
Other names: c.654del, p.Gly219fs (NM_000244.4, NM_130800.3, NM_130801.3 and 3 more transcripts); c.639del, p.Gly214fs (NM_001370251.2, NM_001370260.2, NM_001370261.2 and 1 more transcripts); c.549+90del (NM_001370263.2, NM_001370262.2); short protein forms G214fs, G219fs.
Identifiers: ClinVar variation 852102 (VCV000852102.8), dbSNP rs1941850919, ClinGen allele CA916081652.

ClinVar aggregate classification (germline): Pathogenic (1 of 4 stars; one submission).

Conditions:
Multiple endocrine neoplasia, type 1 (MEN1). Also called: MEN I; WERMER SYNDROME; Endocrine adenomatosis multiple; MEN 1; MEA I. Identifiers: Orphanet 652, MedGen C0025267, MeSH D018761, MONDO:0007540, OMIM 131100.

Submission:

Labcorp Genetics (formerly Invitae), Labcorp
Classification: Pathogenic for Multiple endocrine neoplasia, type 1. Last evaluated: 2019-02-08. Review status: criteria provided, single submitter. Criteria: Invitae Variant Classification Sherloc (09022015). Collection method: clinical testing. Allele origin: germline.
Comment: For these reasons, this variant has been classified as Pathogenic. Loss-of-function variants in MEN1 are known to be pathogenic (PMID: 12112656, 17853334). This variant has not been reported in the literature in individuals with MEN1-related conditions. This variant is not present in population databases (ExAC no frequency). This sequence change creates a premature translational stop signal (p.Gly214Valfs*10) in the MEN1 gene. It is expected to result in an absent or disrupted protein product.

Literature cited by the submitters: PubMed 12112656; PubMed 17853334.